The following is an entry in ClinVar:

ClinVar aggregate classification (germline): Uncertain significance (1 of 4 stars; one submission).

Conditions:
Inborn genetic diseases. Identifiers: MedGen C0950123, MeSH D030342.

Submission:

Ambry Genetics
Classification: Uncertain significance for Inborn genetic diseases. Last evaluated: 2025-02-03. Review status: criteria provided, single submitter. Criteria: Ambry Variant Classification Scheme 2023. Collection method: clinical testing. Allele origin: germline.
Comment: The p.M572T variant (also known as c.1715T>C), located in coding exon 12 of the BMPR2 gene, results from a T to C substitution at nucleotide position 1715. The methionine at codon 572 is replaced by threonine, an amino acid with similar properties. This amino acid position is conserved. In addition, this alteration is predicted to be tolerated by in silico analysis. Based on the available evidence, the clinical significance of this variant remains unclear.

NM_001204.7(BMPR2):c.1715T>C (p.Met572Thr)

Gene: BMPR2 (bone morphogenetic protein receptor type 2; plus strand). Cytogenetic location: 2q33.2.
Variant type: single nucleotide variant.
Coding change: c.1715T>C on transcript NM_001204.7 (MANE Select); coding-DNA position 1715, T replaced by C.
Protein change: p.Met572Thr; replaces methionine 572 with threonine.
Molecular consequence: missense variant.
Genome position (GRCh38, 1-based): chr2:202,555,380, T>C. VCF-style: chr2-202555380-T-C. GRCh37 (hg19) VCF-style: chr2-203420103-T-C.
Other names: short protein forms M572T.
Identifiers: ClinVar variation 3824874 (VCV003824874.1).